The following is an entry in ClinVar:

NM_001099271.2(POC5):c.84+6A>C

Gene: POC5 (POC5 centriolar protein; minus strand). Cytogenetic location: 5q13.3.
Variant type: single nucleotide variant.
Coding change: c.84+6A>C on transcript NM_001099271.2 (MANE Select); 6 bases into the intron after coding-DNA position 84, A replaced by C.
Molecular consequence: intron variant.
Genome position (GRCh38, 1-based): chr5:75,712,848, T>G on the plus strand (A>C on the coding strand, the complement: POC5 is on the minus strand). VCF-style: chr5-75712848-T-G. GRCh37 (hg19) VCF-style: chr5-75008673-T-G.
Identifiers: ClinVar variation 3642572 (VCV003642572.2).

ClinVar aggregate classification (germline): Uncertain significance (1 of 4 stars; one submission).

Submission:

Labcorp Genetics (formerly Invitae), Labcorp
Classification: Uncertain significance. Last evaluated: 2024-03-17. Review status: criteria provided, single submitter. Criteria: Invitae Variant Classification Sherloc (09022015). Collection method: clinical testing. Allele origin: germline.
Comment: This sequence change falls in intron 2 of the POC5 gene. It does not directly change the encoded amino acid sequence of the POC5 protein. It affects a nucleotide within the consensus splice site. This variant is not present in population databases (gnomAD no frequency). This variant has not been reported in the literature in individuals affected with POC5-related conditions. Variants that disrupt the consensus splice site are a relatively common cause of aberrant splicing (PMID: 17576681, 9536098). Algorithms developed to predict the effect of sequence changes on RNA splicing suggest that this variant is not likely to affect RNA splicing. In summary, the available evidence is currently insufficient to determine the role of this variant in disease. Therefore, it has been classified as a Variant of Uncertain Significance.

Literature cited by the submitters: PubMed 17576681; PubMed 9536098.